The following is an entry in ClinVar:

ClinVar aggregate classification (germline): Uncertain significance (1 of 4 stars; one submission).

Submission:

GeneDx
Classification: Uncertain significance. Last evaluated: 2023-03-27. Review status: criteria provided, single submitter. Criteria: GeneDx Variant Classification Process June 2021. Collection method: clinical testing. Allele origin: germline. Affected: yes.
Comment: Not observed at significant frequency in large population cohorts (gnomAD); In silico analysis supports that this missense variant does not alter protein structure/function; Has not been previously published as pathogenic or benign to our knowledge

NM_022168.4(IFIH1):c.3068A>C (p.Asp1023Ala)

Gene: IFIH1 (interferon induced with helicase C domain 1; minus strand). Cytogenetic location: 2q24.2.
Variant type: single nucleotide variant.
Coding change: c.3068A>C on transcript NM_022168.4 (MANE Select); coding-DNA position 3068, A replaced by C.
Protein change: p.Asp1023Ala; replaces aspartic acid 1023 with alanine.
Molecular consequence: missense variant.
Genome position (GRCh38, 1-based): chr2:162,267,210, T>G on the plus strand (A>C on the coding strand, the complement: IFIH1 is on the minus strand). VCF-style: chr2-162267210-T-G. GRCh37 (hg19) VCF-style: chr2-163123720-T-G.
Other names: short protein forms D1023A.
Identifiers: ClinVar variation 1343866 (VCV001343866.3), dbSNP rs2105186476, ClinGen allele CA348988681.
Genomic context (GRCh38, chr2:162,267,210, plus strand): 5'-CATATTAAATGTTTAACTGATAGTATTTTAAAAGAATCTTCAATCAAGTGCTAATCCTCA[T>G]CACTAAATAAACAGCATTCTGAATAGTCAAGATTGGGAAATGTGATAGGTAATTCTACCC-3'
Protein context (NP_071451.2, residues 1013-1025): LDYSECCLFS[Asp1023Ala]ED